The following is an entry in ClinVar:

NM_205768.3(ZBTB18):c.1466A>T (p.Asp489Val)

Gene: ZBTB18 (zinc finger and BTB domain containing 18; plus strand). Cytogenetic location: 1q44.
Variant type: single nucleotide variant.
Coding change: c.1466A>T on transcript NM_205768.3 (MANE Select); coding-DNA position 1466, A replaced by T.
Protein change: p.Asp489Val; replaces aspartic acid 489 with valine.
Molecular consequence: missense variant. On other transcripts: 3 prime UTR variant (1).
Genome position (GRCh38, 1-based): chr1:244,055,240, A>T. VCF-style: chr1-244055240-A-T. GRCh37 (hg19) VCF-style: chr1-244218542-A-T.
Other names: NM_205768.3:c.1466A>T; c.1439A>T, p.Asp480Val (NM_001278196.2, NM_006352.5); c.*643A>T (NM_001421566.1); short protein forms D480V, D489V.
Identifiers: ClinVar variation 3236660 (VCV003236660.1), dbSNP rs2527561693, ClinGen allele CA345675200.

ClinVar aggregate classification (germline): Uncertain significance (1 of 4 stars; one submission).

Conditions:
Intellectual disability. Also called: Intellectual functioning disability; Intellectual developmental disorder; intellectual disabilities. Identifiers: MedGen C3714756, MeSH D008607, MONDO:0001071, HP:0001249.

Submission:

Broad Center for Mendelian Genomics, Broad Institute of MIT and Harvard
Classification: Uncertain significance for Intellectual disability. Last evaluated: 2024-05-17. Review status: criteria provided, single submitter. Criteria: ACMG Guidelines, 2015. Collection method: curation. Allele origin: germline. Inheritance: Autosomal dominant inheritance.
Comment: Trio exome analysis showed this variant to be de novo. The variant has also been reported in one individual with intellectual developmental disorder (PMID: 33057194), but was absent from large population studies. The number of reported affected individuals with this variant is slightly greater than expected compared to non-affected individuals with this variant. Computational prediction tools and conservation analyses do not provide strong support for or against an impact to the protein. The number of missense variants reported in ZBTB18 in the general population is lower than expected, suggesting there is little benign variation in this gene and slightly increasing the possibility that a missense variant in this gene may not be tolerated. In summary, the clinical significance of the p.Asp489Val variant is uncertain. ACMG/AMP Criteria applied: PS2_Supporting, PS4_Supporting, PM2_Supporting, PP2 (Richards 2015).